The following is an entry in ClinVar:

NM_025103.4(IFT74):c.393A>G (p.Ser131=)

Gene: IFT74 (intraflagellar transport 74; plus strand). Cytogenetic location: 9p21.2.
Variant type: single nucleotide variant.
Coding change: c.393A>G on transcript NM_025103.4 (MANE Select); coding-DNA position 393, A replaced by G.
Protein change: p.Ser131=; no amino-acid change (serine 131 retained).
Molecular consequence: synonymous variant.
Genome position (GRCh38, 1-based): chr9:26,984,344, A>G. VCF-style: chr9-26984344-A-G. GRCh37 (hg19) VCF-style: chr9-26984342-A-G.
Other names: c.393A>G (NM_025103.2); c.393A>G, p.Ser131= (NM_001099222.3, NM_001099223.3, NM_001099224.3 and 1 more transcripts).
Identifiers: ClinVar variation 2974672 (VCV002974672.5), dbSNP rs1488760712, ClinGen allele CA464167949.
Genomic context (GRCh38, chr9:26,984,344, plus strand): 5'-AGTTAATAAACTTCAGAAGGGAATAGAAATGTACAATCAAGAGAATTCAGTATATTTGTC[A>G]TATGAAAAGAGGTGAGTAATAAGTATTCAGTATTCATTCAGTATTTTGTGCTTATAATAC-3'
Protein context (NP_079379.2, residues 121-141): MYNQENSVYL[Ser131=]YEKRAETLAV

ClinVar aggregate classification (germline): Likely benign. Review status: criteria provided, single submitter (1 of 4 stars). 2 submissions from 2 submitters: Likely benign (1). 1 of the submissions does not count toward it. Last evaluated 2025-10-04.

Conditions:
IFT74-related disorder. Also called: IFT74-Related Disorders; IFT74-related condition.

Allele frequency attached by ClinVar (database versions not stated): gnomAD 0.00002; TOPMed 0.00003.
gnomAD v4.1: 3 of 1,584,416 alleles (0.00019%); highest among the groups gnomAD compares: African/African-American, 0.0041%; no homozygotes.

Submissions (2):

Labcorp Genetics (formerly Invitae), Labcorp
Classification: Likely benign. Last evaluated: 2025-10-04. Review status: criteria provided, single submitter. Criteria: Invitae Variant Classification Sherloc (09022015). Collection method: clinical testing. Allele origin: germline.

PreventionGenetics, part of Exact Sciences
Classification: Likely benign for IFT74-related condition. Last evaluated: 2021-07-13. Review status: no assertion criteria provided. Collection method: clinical testing. Allele origin: germline. Not counted in ClinVar's aggregate classification.
Comment: This variant is classified as likely benign based on ACMG/AMP sequence variant interpretation guidelines (Richards et al. 2015 PMID: 25741868, with internal and published modifications).